The following is an entry in ClinVar:

ClinVar aggregate classification (germline): Pathogenic/Likely pathogenic. Review status: criteria provided, multiple submitters, no conflicts (2 of 4 stars). 2 submissions from 2 submitters: Pathogenic (1); Likely pathogenic (1). Last evaluated 2024-02-11.

Conditions:
Progressive sclerosing poliodystrophy (MTDPS4A). Also called: ALPERS PROGRESSIVE INFANTILE POLIODYSTROPHY; NEURONAL DEGENERATION OF CHILDHOOD WITH LIVER DISEASE, PROGRESSIVE; Mitochondrial DNA depletion syndrome 4A (Alpers type); Mitochondrial DNA Depletion Syndrome 4A; Alpers-Huttenlocher Syndrome (AHS); Alpers Syndrome. Identifiers: Orphanet 726, MedGen C0205710, MONDO:0008758, OMIM 203700.

Submissions (2):

Labcorp Genetics (formerly Invitae), Labcorp
Classification: Pathogenic for Progressive sclerosing poliodystrophy. Last evaluated: 2024-02-11. Review status: criteria provided, single submitter. Criteria: Invitae Variant Classification Sherloc (09022015). Collection method: clinical testing. Allele origin: germline.
Comment: This sequence change creates a premature translational stop signal (p.Ala1178Serfs*10) in the POLG gene. It is expected to result in an absent or disrupted protein product. Loss-of-function variants in POLG are known to be pathogenic (PMID: 18546365). This variant is not present in population databases (gnomAD no frequency). This variant has not been reported in the literature in individuals affected with POLG-related conditions. Algorithms developed to predict the effect of sequence changes on RNA splicing suggest that this variant may disrupt the consensus splice site. For these reasons, this variant has been classified as Pathogenic.

Baylor Genetics
Classification: Likely pathogenic for Progressive sclerosing poliodystrophy. Last evaluated: 2023-03-08. Review status: criteria provided, single submitter. Criteria: ACMG Guidelines, 2015. Collection method: clinical testing. Allele origin: unknown.

Literature cited by the submitters: PubMed 18546365 (cited by Labcorp Genetics (formerly Invitae), Labcorp).

NM_002693.3(POLG):c.3528_3531dup (p.Ala1178fs)

Gene: POLG (DNA polymerase gamma, catalytic subunit; minus strand). Cytogenetic location: 15q26.1.
Variant type: Microsatellite.
Coding change: c.3528_3531dup on transcript NM_002693.3 (MANE Select); coding-DNA positions 3528 to 3531, 4 bases duplicated (AGTC; older notation c.3528_3531dupAGTC).
Protein change: p.Ala1178fs; shifts the reading frame from alanine 1178.
Molecular consequence: frameshift variant.
Genome position (GRCh38, 1-based): chr15:89,317,488-89,317,491, GACT duplicated on the plus strand (AGTC on the coding strand, the reverse complement: POLG is on the minus strand); duplicating any 4 consecutive bases within chr15:89,317,488-89,317,496 gives the same sequence; the c. name uses the placement nearest the transcript's 3' end. VCF-style (leftmost placement, unchanged base first): chr15-89317487-C-CGACT. GRCh37 (hg19) VCF-style: chr15-89860718-C-CGACT.
Other names: c.3528_3531dup, p.Ala1178fs (NM_001126131.2); short protein forms A1178fs.
Identifiers: ClinVar variation 2677955 (VCV002677955.3), dbSNP rs1596348547, ClinGen allele CA2695197358.